The following is an entry in ClinVar:

ClinVar aggregate classification (germline): Uncertain significance (1 of 4 stars; one submission).

Conditions:
FG syndrome (FGS). Identifiers: MedGen C0220769, MONDO:0002010.

Submission:

Labcorp Genetics (formerly Invitae), Labcorp
Classification: Uncertain significance for FG syndrome. Last evaluated: 2022-06-10. Review status: criteria provided, single submitter. Criteria: Invitae Variant Classification Sherloc (09022015). Collection method: clinical testing. Allele origin: germline.
Comment: In summary, the available evidence is currently insufficient to determine the role of this variant in disease. Therefore, it has been classified as a Variant of Uncertain Significance. Algorithms developed to predict the effect of missense changes on protein structure and function are either unavailable or do not agree on the potential impact of this missense change (SIFT: "Deleterious"; PolyPhen-2: "Benign"; Align-GVGD: "Class C0"). This variant has not been reported in the literature in individuals affected with MED12-related conditions. This variant is not present in population databases (gnomAD no frequency). This sequence change replaces proline, which is neutral and non-polar, with leucine, which is neutral and non-polar, at codon 1906 of the MED12 protein (p.Pro1906Leu).

NM_005120.3(MED12):c.5717C>T (p.Pro1906Leu)

Gene: MED12 (mediator complex subunit 12; plus strand). Cytogenetic location: Xq13.1.
Variant type: single nucleotide variant.
Coding change: c.5717C>T on transcript NM_005120.3 (MANE Select); coding-DNA position 5717, C replaced by T.
Protein change: p.Pro1906Leu; replaces proline 1906 with leucine.
Molecular consequence: missense variant.
Genome position (GRCh38, 1-based): chrX:71,137,352, C>T. VCF-style: chrX-71137352-C-T. GRCh37 (hg19) VCF-style: chrX-70357202-C-T.
Other names: short protein forms P1906L.
Identifiers: ClinVar variation 1963195 (VCV001963195.5), dbSNP rs2519714283, ClinGen allele CA413537534.